The following is an entry in ClinVar:

NM_001099274.3(TINF2):c.869T>C (p.Phe290Ser)

Gene: TINF2 (TERF1 interacting nuclear factor 2; minus strand). Cytogenetic location: 14q12.
Variant type: single nucleotide variant.
Coding change: c.869T>C on transcript NM_001099274.3 (MANE Select); coding-DNA position 869, T replaced by C.
Protein change: p.Phe290Ser; replaces phenylalanine 290 with serine.
Molecular consequence: missense variant.
Genome position (GRCh38, 1-based): chr14:24,240,611, A>G on the plus strand (T>C on the coding strand, the complement: TINF2 is on the minus strand). VCF-style: chr14-24240611-A-G. GRCh37 (hg19) VCF-style: chr14-24709817-A-G.
Other names: c.764T>C, p.Phe255Ser (NM_001363668.2); c.869T>C, p.Phe290Ser (NM_012461.3); short protein forms F255S, F290S.
Identifiers: ClinVar variation 2744816 (VCV002744816.3), dbSNP rs2502455630, ClinGen allele CA389225298.

ClinVar aggregate classification (germline): Likely pathogenic (1 of 4 stars; one submission).

Conditions:
Dyskeratosis congenita. Identifiers: Orphanet 1775, MedGen C0265965, MONDO:0015780.

Submission:

Labcorp Genetics (formerly Invitae), Labcorp
Classification: Likely pathogenic for Dyskeratosis congenita. Last evaluated: 2023-09-18. Review status: criteria provided, single submitter. Criteria: Invitae Variant Classification Sherloc (09022015). Collection method: clinical testing. Allele origin: germline.
Comment: In summary, the currently available evidence indicates that the variant is pathogenic, but additional data are needed to prove that conclusively. Therefore, this variant has been classified as Likely Pathogenic. An algorithm developed to predict the effect of missense changes on protein structure and function (PolyPhen-2) suggests that this variant is likely to be disruptive. This missense change has been observed in individual(s) with dyskeratosis congenita (Invitae). In at least one individual the variant was observed to be de novo. This variant is not present in population databases (gnomAD no frequency). This sequence change replaces phenylalanine, which is neutral and non-polar, with serine, which is neutral and polar, at codon 290 of the TINF2 protein (p.Phe290Ser).